The following is an entry in ClinVar:

ClinVar aggregate classification (germline): Uncertain significance. Review status: criteria provided, multiple submitters, no conflicts (2 of 4 stars). 2 submissions from 2 submitters: Uncertain significance (2). Last evaluated 2025-11-03.

Conditions:
Inborn genetic diseases. Identifiers: MedGen C0950123, MeSH D030342.
Methylmalonic acidemia with homocystinuria, type cblJ (MAHCJ). Also called: METHYLMALONIC ACIDURIA AND HOMOCYSTINURIA, cblJ TYPE. Identifiers: Orphanet 369955, MedGen C3553915, MONDO:0013925, OMIM 614857.

Allele frequency attached by ClinVar (database versions not stated): gnomAD exomes below 0.00001; TOPMed 0.00001; gnomAD 0.00002.
gnomAD v4.1: 5 of 1,614,032 alleles (0.00031%); highest among the groups gnomAD compares: African/African-American, 0.0053%; no homozygotes.

Submissions (2):

Ambry Genetics
Classification: Uncertain significance for Inborn genetic diseases. Last evaluated: 2025-11-03. Review status: criteria provided, single submitter. Criteria: Ambry Variant Classification Scheme 2023. Collection method: clinical testing. Allele origin: germline.

Labcorp Genetics (formerly Invitae), Labcorp
Classification: Uncertain significance for Methylmalonic acidemia with homocystinuria, type cblJ. Last evaluated: 2022-04-13. Review status: criteria provided, single submitter. Criteria: Invitae Variant Classification Sherloc (09022015). Collection method: clinical testing. Allele origin: germline.
Comment: Advanced modeling of protein sequence and biophysical properties (such as structural, functional, and spatial information, amino acid conservation, physicochemical variation, residue mobility, and thermodynamic stability) performed at Invitae indicates that this missense variant is not expected to disrupt ABCD4 protein function. In summary, the available evidence is currently insufficient to determine the role of this variant in disease. Therefore, it has been classified as a Variant of Uncertain Significance. Algorithms developed to predict the effect of sequence changes on RNA splicing suggest that this variant may create or strengthen a splice site. This variant has not been reported in the literature in individuals affected with ABCD4-related conditions. This variant is not present in population databases (gnomAD no frequency). This sequence change replaces leucine, which is neutral and non-polar, with valine, which is neutral and non-polar, at codon 157 of the ABCD4 protein (p.Leu157Val).

NM_005050.4(ABCD4):c.469C>G (p.Leu157Val)

Gene: ABCD4 (ATP binding cassette subfamily D member 4; minus strand). Cytogenetic location: 14q24.3.
Variant type: single nucleotide variant.
Coding change: c.469C>G on transcript NM_005050.4 (MANE Select); coding-DNA position 469, C replaced by G.
Protein change: p.Leu157Val; replaces leucine 157 with valine.
Molecular consequence: missense variant. On other transcripts: 5 prime UTR variant (14), non-coding transcript variant (10).
Genome position (GRCh38, 1-based): chr14:74,296,406, G>C on the plus strand (C>G on the coding strand, the complement: ABCD4 is on the minus strand). VCF-style: chr14-74296406-G-C. GRCh37 (hg19) VCF-style: chr14-74763109-G-C.
Other names: c.208C>G, p.Leu70Val (NM_001353594.2, NM_001353593.2); c.60C>G, p.Ser20Arg (NM_001353595.2, NM_001353596.2, NM_001353597.2); c.-9C>G (NM_001353598.2, NM_001353599.2, NM_001353600.2 and 2 more transcripts); c.-221C>G (NM_001353602.2, NM_001353608.2); c.-226C>G (NM_001353607.2, NM_001353609.2, NM_001353610.2 and 4 more transcripts); c.340C>G, p.Leu114Val (NM_020323.1); c.469C>G, p.Leu157Val (NM_020325.3, NM_001353591.2, NM_001353592.2); c.469C>G (NM_005050.3); short protein forms S20R, L157V, L114V, L70V.
Identifiers: ClinVar variation 1985997 (VCV001985997.5), dbSNP rs1230890093, ClinGen allele CA390377905.